The following is an entry in ClinVar:

ClinVar aggregate classification (germline): Likely benign (0 of 4 stars; one submission).

Conditions:
MRPS2-related disorder. Also called: MRPS2-related condition.

Allele frequency attached by ClinVar (database versions not stated): gnomAD 0.00003; ExAC 0.00004; TOPMed 0.00005; ESP Exome Variant Server 0.00008.
gnomAD v4.1: 20 of 1,613,022 alleles (0.0012%); highest among the groups gnomAD compares: African/African-American, 0.015%; no homozygotes.

Submission:

PreventionGenetics, part of Exact Sciences
Classification: Likely benign for MRPS2-related condition. Last evaluated: 2024-06-17. Review status: no assertion criteria provided. Collection method: clinical testing. Allele origin: germline.
Comment: This variant is classified as likely benign based on ACMG/AMP sequence variant interpretation guidelines (Richards et al. 2015 PMID: 25741868, with internal and published modifications).

NM_016034.5(MRPS2):c.170-4G>A

Gene: MRPS2 (mitochondrial ribosomal protein S2; plus strand). Cytogenetic location: 9q34.3.
Variant type: single nucleotide variant.
Coding change: c.170-4G>A on transcript NM_016034.5 (MANE Select); 4 bases into the intron before coding-DNA position 170, G replaced by A.
Molecular consequence: intron variant. On other transcripts: non-coding transcript variant (1).
Genome position (GRCh38, 1-based): chr9:135,501,840, G>A. VCF-style: chr9-135501840-G-A. GRCh37 (hg19) VCF-style: chr9-138393686-G-A.
Other names: c.170-4G>A (NM_001371401.1).
Identifiers: ClinVar variation 3041063 (VCV003041063.2), dbSNP rs377751899, ClinGen allele CA5323847.
Genomic context (GRCh38, chr9:135,501,840, plus strand): 5'-GCGCTCTGCCTGTCTCTGCTGCCACCGGTGGGAGACGCAGCGTCGCTCCTCCTCCCTGCC[G>A]TAGATTTCAACGACAAGATTTTGAATGAGCCCCTCAAGCACTCTGACTTCTTCAATGTCA-3'